The following is an entry in ClinVar:

NM_000257.4(MYH7):c.2761G>T (p.Glu921Ter)

Gene: MYH7 (myosin heavy chain 7; minus strand). Cytogenetic location: 14q11.2.
Variant type: single nucleotide variant.
Coding change: c.2761G>T on transcript NM_000257.4 (MANE Select); coding-DNA position 2761, G replaced by T.
Protein change: p.Glu921Ter; replaces glutamic acid 921 with a stop codon.
Molecular consequence: nonsense.
Genome position (GRCh38, 1-based): chr14:23,424,068, C>A on the plus strand (G>T on the coding strand, the complement: MYH7 is on the minus strand). VCF-style: chr14-23424068-C-A. GRCh37 (hg19) VCF-style: chr14-23893277-C-A.
Other names: short protein forms E921*.
Identifiers: ClinVar variation 1347789 (VCV001347789.6), dbSNP rs730880759, ClinGen allele CA034194.

ClinVar aggregate classification (germline): Uncertain significance (1 of 4 stars; one submission).

Conditions:
Hypertrophic cardiomyopathy. Also called: HYPERTROPHIC MYOCARDIOPATHY. Identifiers: Orphanet 217569, MedGen C0007194, MeSH D002312, MONDO:0005045, HP:0001639.

Allele frequency attached by ClinVar (database versions not stated): gnomAD exomes below 0.00001; ExAC 0.00001.
gnomAD v4.1: 1 of 1,614,264 alleles (0.000062%); highest among the groups gnomAD compares: Non-Finnish European, 0.000085%; no homozygotes.

Submission:

Labcorp Genetics (formerly Invitae), Labcorp
Classification: Uncertain significance for Hypertrophic cardiomyopathy. Last evaluated: 2021-04-23. Review status: criteria provided, single submitter. Criteria: Invitae Variant Classification Sherloc (09022015). Collection method: clinical testing. Allele origin: germline.
Comment: In summary, the available evidence is currently insufficient to determine the role of this variant in disease. Therefore, it has been classified as a Variant of Uncertain Significance. This variant has not been reported in the literature in individuals with MYH7-related conditions. This variant is present in population databases (rs730880759, ExAC 0.001%). This sequence change creates a premature translational stop signal (p.Glu921*) in the MYH7 gene. It is expected to result in an absent or disrupted protein product. However, the current clinical and genetic evidence is not sufficient to establish whether loss-of-function variants in MYH7 cause disease.